The following is an entry in ClinVar:

ClinVar aggregate classification (germline): Pathogenic (1 of 4 stars; one submission).

Conditions:
3-methylcrotonyl-CoA carboxylase 1 deficiency (MCC1D). Also called: MCC 1 deficiency; 3 Alpha methylcrotonylglycinuria 1; MCCD TYPE 1; METHYLCROTONYLGLYCINURIA TYPE I. Identifiers: Orphanet 6, MedGen CN028786, MONDO:0008861, OMIM 210200.

gnomAD v4.1: 1 of 1,613,684 alleles (0.000062%); highest among the groups gnomAD compares: Non-Finnish European, 0.000085%; no homozygotes.

Submission:

Labcorp Genetics (formerly Invitae), Labcorp
Classification: Pathogenic for 3-methylcrotonyl-CoA carboxylase 1 deficiency. Last evaluated: 2024-11-23. Review status: criteria provided, single submitter. Criteria: Invitae Variant Classification Sherloc (09022015). Collection method: clinical testing. Allele origin: germline.
Comment: This sequence change affects a donor splice site in intron 7 of the MCCC1 gene. It is expected to disrupt RNA splicing. Variants that disrupt the donor or acceptor splice site typically lead to a loss of protein function (PMID: 16199547), and loss-of-function variants in MCCC1 are known to be pathogenic (PMID: 11181649, 15359379, 22642865). This variant is not present in population databases (gnomAD no frequency). Disruption of this splice site has been observed in individuals with clinical features of 3-methylcrotonyl-CoA carboxylase (3MCC) deficiency (internal data). Algorithms developed to predict the effect of sequence changes on RNA splicing suggest that this variant may disrupt the consensus splice site. For these reasons, this variant has been classified as Pathogenic.

Literature cited by the submitters: PubMed 16199547; PubMed 11181649; PubMed 15359379; PubMed 22642865.

NM_020166.5(MCCC1):c.761+2T>C

Gene: MCCC1 (methylcrotonyl-CoA carboxylase subunit 1; minus strand). Cytogenetic location: 3q27.1.
Variant type: single nucleotide variant.
Coding change: c.761+2T>C on transcript NM_020166.5 (MANE Select); the canonical splice donor site of the intron after coding-DNA position 761, T replaced by C.
Molecular consequence: splice donor variant.
Genome position (GRCh38, 1-based): chr3:183,070,997, A>G on the plus strand (T>C on the coding strand, the complement: MCCC1 is on the minus strand). VCF-style: chr3-183070997-A-G. GRCh37 (hg19) VCF-style: chr3-182788785-A-G.
Other names: c.434+2T>C (NM_001363880.1); c.410+2T>C (NM_001293273.2).
Identifiers: ClinVar variation 3725440 (VCV003725440.2).